The following is an entry in ClinVar:

ClinVar aggregate classification (germline): Pathogenic (1 of 4 stars; one submission).

Conditions:
Hereditary nonpolyposis colorectal neoplasms. Identifiers: MedGen C0009405, MeSH D003123.

Submission:

Labcorp Genetics (formerly Invitae), Labcorp
Classification: Pathogenic for Hereditary nonpolyposis colorectal neoplasms. Last evaluated: 2019-12-13. Review status: criteria provided, single submitter. Criteria: Invitae Variant Classification Sherloc (09022015). Collection method: clinical testing. Allele origin: germline.
Comment: This variant is not present in population databases (ExAC no frequency). For these reasons, this variant has been classified as Pathogenic. Loss-of-function variants in MSH6 are known to be pathogenic (PMID: 18269114, 24362816). This variant has not been reported in the literature in individuals with MSH6-related conditions. This sequence change creates a premature translational stop signal (p.Val1232*) in the MSH6 gene. It is expected to result in an absent or disrupted protein product.

Literature cited by the submitters: PubMed 18269114; PubMed 24362816.

NM_000179.3(MSH6):c.3693_3694insTA (p.Val1232Ter)

Gene: MSH6 (mutS homolog 6; plus strand). Cytogenetic location: 2p16.3.
Variant type: Insertion.
Coding change: c.3693_3694insTA on transcript NM_000179.3 (MANE Select); coding-DNA positions 3693 to 3694, TA inserted.
Protein change: p.Val1232Ter; replaces valine 1232 with a stop codon.
Molecular consequence: nonsense.
Genome position: GRCh38 VCF-style: chr2-47806250-T-TTA. GRCh37 (hg19) VCF-style: chr2-48033389-T-TTA.
Other names: c.3303_3304insTA, p.Val1102Ter (NM_001281492.2); c.2787_2788insTA, p.Val930Ter (NM_001281493.2, NM_001281494.2); short protein forms V1102*, V1232*, V930*.
Identifiers: ClinVar variation 838443 (VCV000838443.9), dbSNP rs1670044220, ClinGen allele CA916080289.
Genomic context (GRCh38, chr2:47,806,250, plus strand): 5'-TTTTACTTTAACAGGAAGAGGTACTGCAACATTTGATGGGACGGCAATAGCAAATGCAGT[T>TTA]GTTAAAGAACTTGCTGAGACTATAAAATGTCGTACATTATTTTCAACTCACTACCATTCA-3'